The following is an entry in ClinVar:

ClinVar aggregate classification (germline): Uncertain significance. Review status: criteria provided, multiple submitters, no conflicts (2 of 4 stars). 2 submissions from 2 submitters: Uncertain significance (2). Last evaluated 2025-04-15.

Allele frequency attached by ClinVar (database versions not stated): gnomAD exomes 0.00001.
gnomAD v4.1: 9 of 1,594,276 alleles (0.00056%); highest among the groups gnomAD compares: Middle Eastern, 0.05%; no homozygotes.

Submissions (2):

Labcorp Genetics (formerly Invitae), Labcorp
Classification: Uncertain significance. Last evaluated: 2025-04-15. Review status: criteria provided, single submitter. Criteria: Invitae Variant Classification Sherloc (09022015). Collection method: clinical testing. Allele origin: germline.
Comment: This sequence change falls in intron 9 of the SIN3A gene. It does not directly change the encoded amino acid sequence of the SIN3A protein. It affects a nucleotide within the consensus splice site. This variant is present in population databases (no rsID available, gnomAD 0.003%). This variant has not been reported in the literature in individuals affected with SIN3A-related conditions. ClinVar contains an entry for this variant (Variation ID: 2430339). Variants that disrupt the consensus splice site are a relatively common cause of aberrant splicing (PMID: 17576681, 9536098). Algorithms developed to predict the effect of sequence changes on RNA splicing suggest that this variant is not likely to affect RNA splicing. In summary, the available evidence is currently insufficient to determine the role of this variant in disease. Therefore, it has been classified as a Variant of Uncertain Significance.

Centre of Medical Genetics, University Hospital Muenster
Classification: Uncertain significance. Last evaluated: 2022-10-27. Review status: criteria provided, single submitter. Criteria: ACMG Guidelines, 2015. Collection method: clinical testing. Allele origin: unknown. Affected: yes. Observed: 1 variant allele, 1 heterozygote.
Comment: ACMG categories: PM2,PP3

Literature cited by the submitters: PubMed 17576681 (cited by Labcorp Genetics (formerly Invitae), Labcorp); PubMed 9536098 (cited by Labcorp Genetics (formerly Invitae), Labcorp).

NM_001145358.2(SIN3A):c.1407+4A>G

Gene: SIN3A (SIN3 transcription regulator family member A; minus strand). Cytogenetic location: 15q24.2.
Variant type: single nucleotide variant.
Coding change: c.1407+4A>G on transcript NM_001145358.2 (MANE Select); 4 bases into the intron after coding-DNA position 1407, A replaced by G.
Molecular consequence: intron variant.
Genome position (GRCh38, 1-based): chr15:75,407,051, T>C on the plus strand (A>G on the coding strand, the complement: SIN3A is on the minus strand). VCF-style: chr15-75407051-T-C. GRCh37 (hg19) VCF-style: chr15-75699392-T-C.
Other names: c.1407+4A>G (NM_001145357.2, NM_015477.3).
Identifiers: ClinVar variation 2430339 (VCV002430339.3), dbSNP rs1303687232, ClinGen allele CA619150901.
Genomic context (GRCh38, chr15:75,407,051, plus strand): 5'-GGGATAAGATGATTTTCTTTTGGCATTAACAGGCACTATCAAATCTAACTCATCCATTAC[T>C]CACCTTATCAAAAAATAACGATTCTGTTCCACCACCATGTTTGCTGGCATCTGCCATAGA-3'